The following is an entry in ClinVar:

ClinVar aggregate classification (germline): Likely pathogenic (1 of 4 stars; one submission).

Conditions:
Glycogen storage disease IXb (GSD9B). Also called: GLYCOGENOSIS OF LIVER AND MUSCLE, AUTOSOMAL RECESSIVE; GSD IXb; PHOSPHORYLASE KINASE DEFICIENCY OF LIVER AND MUSCLE, AUTOSOMAL RECESSIVE. Identifiers: Orphanet 79240, MedGen C0543514, MONDO:0009868, OMIM 261750.

Submission:

Labcorp Genetics (formerly Invitae), Labcorp
Classification: Likely pathogenic for Glycogen storage disease IXb. Last evaluated: 2023-06-09. Review status: criteria provided, single submitter. Criteria: Invitae Variant Classification Sherloc (09022015). Collection method: clinical testing. Allele origin: unknown.
Comment: In summary, the currently available evidence indicates that the variant is pathogenic, but additional data are needed to prove that conclusively. Therefore, this variant has been classified as Likely Pathogenic. This variant has not been reported in the literature in individuals affected with PHKB-related conditions. This variant results in a copy number gain of the genomic region encompassing exon(s) 3-4 of the PHKB gene. While the exact position of this variant cannot be determined from the data, sub-genic copy number gains are generally in tandem (PMID: 25640679). This variant is predicted to be out-of-frame, and may result in an absent or disrupted protein product. Loss-of-function variants in PHKB are known to be pathogenic (PMID: 9215682, 9326319).

Literature cited by the submitters: PubMed 25640679; PubMed 9215682; PubMed 9326319.

NC_000016.9:g.(?_47533647)_(47537021_?)dup

Gene: PHKB (phosphorylase kinase regulatory subunit beta; plus strand). Cytogenetic location: 16q12.1.
Variant type: Duplication.
Identifiers: ClinVar variation 3243393 (VCV003243393.1).